The following is an entry in ClinVar:

ClinVar aggregate classification (germline): Likely benign. Review status: criteria provided, multiple submitters, no conflicts (2 of 4 stars). 3 submissions from 3 submitters: Likely benign (3). Last evaluated 2025-08-13.

Conditions:
MYH6-related disorder. Also called: MYH6-related condition; MYH6-Related Disorders.
Cardiovascular phenotype. Identifiers: MedGen CN230736.
Hypertrophic cardiomyopathy 14. Identifiers: MedGen C2750467, MONDO:0013197, OMIM 613251.

Allele frequency attached by ClinVar (database versions not stated): gnomAD exomes below 0.00001; ExAC 0.00001; TOPMed 0.00003; gnomAD 0.00004.
gnomAD v4.1: 11 of 1,614,050 alleles (0.00068%); highest among the groups gnomAD compares: African/African-American, 0.015%; no homozygotes.

Submissions (3):

PreventionGenetics, part of Exact Sciences
Classification: Likely benign for MYH6-related condition. Last evaluated: 2025-08-13. Review status: criteria provided, single submitter. Criteria: ACMG Guidelines, 2015. Collection method: clinical testing. Allele origin: germline.
Comment: This variant is classified as likely benign based on ACMG/AMP sequence variant interpretation guidelines (Richards et al. 2015 PMID: 25741868, with internal and published modifications).

Labcorp Genetics (formerly Invitae), Labcorp
Classification: Likely benign for Hypertrophic cardiomyopathy 14. Last evaluated: 2024-09-14. Review status: criteria provided, single submitter. Criteria: Invitae Variant Classification Sherloc (09022015). Collection method: clinical testing. Allele origin: germline.

Ambry Genetics
Classification: Likely benign for Cardiovascular phenotype. Last evaluated: 2021-09-07. Review status: criteria provided, single submitter. Criteria: Ambry Variant Classification Scheme 2023. Collection method: clinical testing. Allele origin: germline.

NM_002471.4(MYH6):c.1278G>A (p.Gly426=)

Gene: MYH6 (myosin heavy chain 6; minus strand). Cytogenetic location: 14q11.2.
Variant type: single nucleotide variant.
Coding change: c.1278G>A on transcript NM_002471.4 (MANE Select); coding-DNA position 1278, G replaced by A.
Protein change: p.Gly426=; no amino-acid change (glycine 426 retained).
Molecular consequence: synonymous variant.
Genome position (GRCh38, 1-based): chr14:23,400,841, C>T on the plus strand (G>A on the coding strand, the complement: MYH6 is on the minus strand). VCF-style: chr14-23400841-C-T. GRCh37 (hg19) VCF-style: chr14-23870050-C-T.
Identifiers: ClinVar variation 702686 (VCV000702686.11), dbSNP rs746470514, ClinGen allele CA7115845.